The following is an entry in ClinVar:

ClinVar aggregate classification (germline): Pathogenic (1 of 4 stars; one submission).

Submission:

Labcorp Genetics (formerly Invitae), Labcorp
Classification: Pathogenic. Last evaluated: 2019-11-22. Review status: criteria provided, single submitter. Criteria: Invitae Variant Classification Sherloc (09022015). Collection method: clinical testing. Allele origin: germline.
Comment: For these reasons, this variant has been classified as Pathogenic. Loss-of-function variants in LOXHD1 are known to be pathogenic (PMID: 19732867, 21465660, 25792669). This variant has not been reported in the literature in individuals with LOXHD1-related conditions. This variant is not present in population databases (ExAC no frequency). This sequence change creates a premature translational stop signal (p.Arg685Alafs*6) in the LOXHD1 gene. It is expected to result in an absent or disrupted protein product.

Literature cited by the submitters: PubMed 19732867; PubMed 21465660; PubMed 25792669.

NM_001384474.1(LOXHD1):c.2052del (p.Arg685fs)

Gene: LOXHD1 (lipoxygenase homology PLAT domains 1; minus strand). Cytogenetic location: 18q21.1.
Variant type: Deletion.
Coding change: c.2052del on transcript NM_001384474.1 (MANE Select); coding-DNA position 2052, one base deleted (T; older notation c.2052delT).
Protein change: p.Arg685fs; shifts the reading frame from arginine 685.
Molecular consequence: frameshift variant.
Genome position (GRCh38, 1-based): chr18:46,569,634, A deleted on the plus strand (T on the coding strand, the reverse complement: LOXHD1 is on the minus strand); the first of 3 consecutive A bases (chr18:46,569,634-46,569,636); deleting any one gives the same sequence. VCF-style (leftmost placement, unchanged base first): chr18-46569633-GA-G. GRCh37 (hg19) VCF-style: chr18-44149596-GA-G.
Other names: c.2052del, p.Arg685fs (NM_144612.7); short protein forms R685fs.
Identifiers: ClinVar variation 843724 (VCV000843724.7), dbSNP rs1198947482, ClinGen allele CA779816162.